The following is an entry in ClinVar:

NM_001113378.2(FANCI):c.1822-8C>A

Gene: FANCI (FA complementation group I; plus strand). Cytogenetic location: 15q26.1.
Variant type: single nucleotide variant.
Coding change: c.1822-8C>A on transcript NM_001113378.2 (MANE Select); 8 bases into the intron before coding-DNA position 1822, C replaced by A.
Molecular consequence: intron variant.
Genome position (GRCh38, 1-based): chr15:89,290,205, C>A. VCF-style: chr15-89290205-C-A. GRCh37 (hg19) VCF-style: chr15-89833436-C-A.
Other names: c.1822-8C>A (NM_018193.3, NM_001376911.1); c.1543-8C>A (NM_001376910.1).
Identifiers: ClinVar variation 1317082 (VCV001317082.2), dbSNP rs1299091267, ClinGen allele CA2573054115.
Genomic context (GRCh38, chr15:89,290,205, plus strand): 5'-AGTTATGATTGTCCAGATCACTAGTATCTCTGTTAAAGTGCTTATTTCTTCTCTTTGATT[C>A]CTCTTAGGGGTTTTATGATGTTCTTCGAAGGAACTCTCAGCTGGCTAATTCAGTCATGCA-3'

ClinVar aggregate classification (germline): Uncertain significance (1 of 4 stars; one submission).

Submission:

GeneDx
Classification: Uncertain significance. Last evaluated: 2019-07-03. Review status: criteria provided, single submitter. Criteria: GeneDx Variant Classification Process June 2021. Collection method: clinical testing. Allele origin: germline. Affected: yes.
Comment: Not observed in large population cohorts (Lek et al., 2016); Has not been previously published as pathogenic or benign to our knowledge; In-silico analysis, which includes splice predictors and evolutionary conservation, is inconclusive as to whether the variant alters gene splicing. In the absence of RNA/functional studies, the actual effect of this sequence change is unknown.